The following is an entry in ClinVar:

NM_153603.4(COG7):c.605-8T>C

Gene: COG7 (component of oligomeric golgi complex 7; minus strand). Cytogenetic location: 16p12.2.
Variant type: single nucleotide variant.
Coding change: c.605-8T>C on transcript NM_153603.4 (MANE Select); 8 bases into the intron before coding-DNA position 605, T replaced by C.
Molecular consequence: intron variant.
Genome position (GRCh38, 1-based): chr16:23,434,726, A>G on the plus strand (T>C on the coding strand, the complement: COG7 is on the minus strand). VCF-style: chr16-23434726-A-G. GRCh37 (hg19) VCF-style: chr16-23446047-A-G.
Identifiers: ClinVar variation 3350948 (VCV003350948.1).

ClinVar aggregate classification (germline): Likely benign (0 of 4 stars; one submission).

Conditions:
COG7-related disorder. Also called: COG7-related condition.

gnomAD v4.1: 4 of 1,595,446 alleles (0.00025%); highest among the groups gnomAD compares: Middle Eastern, 0.05%; no homozygotes.

Submission:

PreventionGenetics, part of Exact Sciences
Classification: Likely benign for COG7-related condition. Last evaluated: 2019-07-23. Review status: no assertion criteria provided. Collection method: clinical testing. Allele origin: germline.
Comment: This variant is classified as likely benign based on ACMG/AMP sequence variant interpretation guidelines (Richards et al. 2015 PMID: 25741868, with internal and published modifications).